The following is an entry in ClinVar:

NM_004070.4(CLCNKA):c.1327G>A (p.Ala443Thr)

Genes: CLCNKA (chloride voltage-gated channel Ka; plus strand), LOC106501712 (CLCNKA recombination region; plus strand). Cytogenetic location: 1p36.13.
Variant type: single nucleotide variant.
Coding change: c.1327G>A on transcript NM_004070.4 (MANE Select); coding-DNA position 1327, G replaced by A.
Protein change: p.Ala443Thr; replaces alanine 443 with threonine.
Molecular consequence: missense variant.
Genome position (GRCh38, 1-based): chr1:16,029,994, G>A. VCF-style: chr1-16029994-G-A. GRCh37 (hg19) VCF-style: chr1-16356489-G-A.
Other names: c.1327G>A, p.Ala443Thr (NM_001042704.2); c.1198G>A, p.Ala400Thr (NM_001257139.2); short protein forms A443T, A400T.
Identifiers: ClinVar variation 64460 (VCV000064460.2), dbSNP rs387907409, ClinGen allele CA216190.

ClinVar aggregate classification (germline): Uncertain significance (0 of 4 stars; one submission).

Submission:

Martin Pollak Laboratory,  Beth Israel Deaconess Medical Center
Classification: Uncertain significance. Review status: no assertion criteria provided. Collection method: not provided. Allele origin: unknown.
Comment: Lower and higher UCa2+ groups
ClinVar note: Converted during submission from unknown to Uncertain significance.